The following is an entry in ClinVar:

NM_000023.4(SGCA):c.584G>T (p.Gly195Val)

Gene: SGCA (sarcoglycan alpha; plus strand). Cytogenetic location: 17q21.33.
Variant type: single nucleotide variant.
Coding change: c.584G>T on transcript NM_000023.4 (MANE Select); coding-DNA position 584, G replaced by T.
Protein change: p.Gly195Val; replaces glycine 195 with valine.
Molecular consequence: missense variant. On other transcripts: non-coding transcript variant (1).
Genome position (GRCh38, 1-based): chr17:50,168,572, G>T. VCF-style: chr17-50168572-G-T. GRCh37 (hg19) VCF-style: chr17-48245933-G-T.
Other names: c.584G>T, p.Gly195Val (NM_001135697.3); short protein forms G195V.
Identifiers: ClinVar variation 2837981 (VCV002837981.3), dbSNP rs1378468534, ClinGen allele CA400180173.

ClinVar aggregate classification (germline): Uncertain significance (1 of 4 stars; one submission).

Conditions:
Autosomal recessive limb-girdle muscular dystrophy type 2D (LGMDR3). Also called: MUSCULAR DYSTROPHY, LIMB-GIRDLE, AUTOSOMAL RECESSIVE 3; ADHALINOPATHY, PRIMARY; DUCHENNE-LIKE AUTOSOMAL RECESSIVE MUSCULAR DYSTROPHY, TYPE 2. Identifiers: Orphanet 62, MedGen C2936332, MONDO:0011968, OMIM 608099. Disease mechanism: Affects gamma-sarcoglycan and also disrupts the integrity of the entire sarcoglycan complex..

Submission:

Labcorp Genetics (formerly Invitae), Labcorp
Classification: Uncertain significance for Autosomal recessive limb-girdle muscular dystrophy type 2D. Last evaluated: 2023-07-13. Review status: criteria provided, single submitter. Criteria: Invitae Variant Classification Sherloc (09022015). Collection method: clinical testing. Allele origin: germline.
Comment: In summary, the available evidence is currently insufficient to determine the role of this variant in disease. Therefore, it has been classified as a Variant of Uncertain Significance. Variants that disrupt the consensus splice site are a relatively common cause of aberrant splicing (PMID: 17576681, 9536098). Algorithms developed to predict the effect of sequence changes on RNA splicing suggest that this variant may disrupt the consensus splice site. An algorithm developed to predict the effect of missense changes on protein structure and function (PolyPhen-2) suggests that this variant is likely to be disruptive. This missense change has been observed in individual(s) with SGCA-related conditions (Invitae). In at least one individual the data is consistent with being in trans (on the opposite chromosome) from a pathogenic variant. This variant is not present in population databases (gnomAD no frequency). This sequence change replaces glycine, which is neutral and non-polar, with valine, which is neutral and non-polar, at codon 195 of the SGCA protein (p.Gly195Val). This variant also falls at the last nucleotide of exon 5, which is part of the consensus splice site for this exon.

Literature cited by the submitters: PubMed 17576681; PubMed 9536098.